The following is an entry in ClinVar:

ClinVar aggregate classification (germline): Benign/Likely benign. Review status: criteria provided, multiple submitters, no conflicts (2 of 4 stars). 6 submissions from 6 submitters: Benign (1); Likely benign (5). Last evaluated 2026-01-13.

Conditions:
POLD1-related polyposis and colorectal cancer syndrome (CRCS10). Also called: Colorectal cancer, susceptibility to, 10; Colorectal cancer 10; COLORECTAL CANCER, SUSCEPTIBILITY TO, ON CHROMOSOME 19q. Identifiers: Orphanet 220460, MedGen C2675481, MONDO:0012953, OMIM 612591.
Hereditary cancer-predisposing syndrome. Also called: Neoplastic Syndromes, Hereditary; Hereditary neoplastic syndrome; Hereditary Cancer Syndrome; Tumor predisposition. Identifiers: Orphanet 140162, MedGen C0027672, MeSH D009386, MONDO:0015356.

Allele frequency attached by ClinVar (database versions not stated): TOPMed below 0.00001; gnomAD exomes 0.00003 and 0.00009; ExAC 0.00010.

Submissions (6):

Labcorp Genetics (formerly Invitae), Labcorp
Classification: Likely benign for POLD1-related polyposis and colorectal cancer syndrome. Last evaluated: 2026-01-13. Review status: criteria provided, single submitter. Criteria: Invitae Variant Classification Sherloc (09022015). Collection method: clinical testing. Allele origin: germline.

Center for Genomic Medicine, Rigshospitalet, Copenhagen University Hospital
Classification: Likely benign. Last evaluated: 2025-03-04. Review status: criteria provided, single submitter. Criteria: ACMG Guidelines, 2015. Collection method: clinical testing. Allele origin: germline.

Myriad Genetics, Inc.
Classification: Benign for POLD1-related polyposis and colorectal cancer syndrome. Last evaluated: 2025-02-07. Review status: criteria provided, single submitter. Criteria: Myriad Autosomal Dominant, Autosomal Recessive and X-Linked Classification Criteria (2023). Collection method: clinical testing. Allele origin: unknown.
Comment: This variant is considered benign. This variant is a silent/synonymous amino acid change and it is not expected to impact splicing.

Blueprint Genetics
Classification: Likely benign. Last evaluated: 2023-04-19. Review status: criteria provided, single submitter. Criteria: ACMG Guidelines, 2015. Collection method: clinical testing. Allele origin: germline.

GeneDx
Classification: Likely benign. Last evaluated: 2017-12-14. Review status: criteria provided, single submitter. Criteria: GeneDx Variant Classification (06012015). Collection method: clinical testing. Allele origin: germline. Affected: yes.
Comment: This variant is considered likely benign or benign based on one or more of the following criteria: it is a conservative change, it occurs at a poorly conserved position in the protein, it is predicted to be benign by multiple in silico algorithms, and/or has population frequency not consistent with disease.

Ambry Genetics
Classification: Likely benign for Hereditary cancer-predisposing syndrome. Last evaluated: 2016-08-04. Review status: criteria provided, single submitter. Criteria: Ambry Variant Classification Scheme 2023. Collection method: clinical testing. Allele origin: germline.

NM_002691.4(POLD1):c.1593C>T (p.Asn531=)

Gene: POLD1 (DNA polymerase delta 1, catalytic subunit; plus strand). Cytogenetic location: 19q13.33.
Variant type: single nucleotide variant.
Coding change: c.1593C>T on transcript NM_002691.4 (MANE Select); coding-DNA position 1593, C replaced by T.
Protein change: p.Asn531=; no amino-acid change (asparagine 531 retained).
Molecular consequence: synonymous variant. On other transcripts: non-coding transcript variant (1).
Genome position (GRCh38, 1-based): chr19:50,407,081, C>T. VCF-style: chr19-50407081-C-T. GRCh37 (hg19) VCF-style: chr19-50910338-C-T.
Other names: c.1593C>T, p.Asn531= (NM_001256849.1, NM_001308632.1).
Identifiers: ClinVar variation 414800 (VCV000414800.20), dbSNP rs757383245, ClinGen allele CA9596183.